The following is an entry in ClinVar:

NM_006767.4(LZTR1):c.1819C>T (p.His607Tyr)

Gene: LZTR1 (leucine zipper like post translational regulator 1; plus strand). Cytogenetic location: 22q11.21.
Variant type: single nucleotide variant.
Coding change: c.1819C>T on transcript NM_006767.4 (MANE Select); coding-DNA position 1819, C replaced by T.
Protein change: p.His607Tyr; replaces histidine 607 with tyrosine.
Molecular consequence: missense variant.
Genome position (GRCh38, 1-based): chr22:20,994,903, C>T. VCF-style: chr22-20994903-C-T. GRCh37 (hg19) VCF-style: chr22-21349192-C-T.
Other names: short protein forms H607Y.
Identifiers: ClinVar variation 1780717 (VCV001780717.4), dbSNP rs1197801948, ClinGen allele CA410778517.

ClinVar aggregate classification (germline): Uncertain significance. Review status: criteria provided, multiple submitters, no conflicts (2 of 4 stars). 2 submissions from 2 submitters: Uncertain significance (2). Last evaluated 2025-06-04.

Conditions:
Hereditary cancer-predisposing syndrome. Also called: Neoplastic Syndromes, Hereditary; Tumor predisposition; Hereditary Cancer Syndrome; Hereditary neoplastic syndrome. Identifiers: Orphanet 140162, MedGen C0027672, MeSH D009386, MONDO:0015356.
Cardiovascular phenotype. Identifiers: MedGen CN230736.

Allele frequency attached by ClinVar (database versions not stated): TOPMed below 0.00001; gnomAD 0.00001.
gnomAD v4.1: 1 of 1,613,302 alleles (0.000062%); highest among the groups gnomAD compares: Non-Finnish European, 0.000085%; no homozygotes.

Submissions (2):

Labcorp Genetics (formerly Invitae), Labcorp
Classification: Uncertain significance. Last evaluated: 2025-06-04. Review status: criteria provided, single submitter. Criteria: Invitae Variant Classification Sherloc (09022015). Collection method: clinical testing. Allele origin: germline.
Comment: This sequence change replaces histidine, which is basic and polar, with tyrosine, which is neutral and polar, at codon 607 of the LZTR1 protein (p.His607Tyr). This variant is not present in population databases (gnomAD no frequency). This variant has not been reported in the literature in individuals affected with LZTR1-related conditions. ClinVar contains an entry for this variant (Variation ID: 1780717). Invitae Evidence Modeling of protein sequence and biophysical properties (such as structural, functional, and spatial information, amino acid conservation, physicochemical variation, residue mobility, and thermodynamic stability) indicates that this missense variant is not expected to disrupt LZTR1 protein function with a negative predictive value of 80%. In summary, the available evidence is currently insufficient to determine the role of this variant in disease. Therefore, it has been classified as a Variant of Uncertain Significance.

Ambry Genetics
Classification: Uncertain significance for Cardiovascular phenotype; Hereditary cancer-predisposing syndrome. Last evaluated: 2022-09-16. Review status: criteria provided, single submitter. Criteria: Ambry Variant Classification Scheme 2023. Collection method: clinical testing. Allele origin: germline.
Comment: The p.H607Y variant (also known as c.1819C>T), located in coding exon 16 of the LZTR1 gene, results from a C to T substitution at nucleotide position 1819. The histidine at codon 607 is replaced by tyrosine, an amino acid with similar properties. This amino acid position is conserved. In addition, the in silico prediction for this alteration is inconclusive. Since supporting evidence is limited at this time, the clinical significance of this alteration remains unclear.